The following is an entry in ClinVar:

NM_000083.3(CLCN1):c.1044_1056del (p.Ala350fs)

Gene: CLCN1 (chloride voltage-gated channel 1; plus strand). Cytogenetic location: 7q34.
Variant type: Deletion.
Coding change: c.1044_1056del on transcript NM_000083.3 (MANE Select); coding-DNA positions 1044 to 1056, 13 bases deleted (ACCAGCTTTTGCT).
Protein change: p.Ala350fs; shifts the reading frame from alanine 350.
Molecular consequence: frameshift variant. On other transcripts: non-coding transcript variant (1).
Genome position (GRCh38, 1-based): chr7:143,331,296-143,331,308, ACCAGCTTTTGCT deleted; deleting any 13 consecutive bases within chr7:143,331,294-143,331,308 gives the same sequence; the c. name uses the placement nearest the transcript's 3' end. VCF-style (leftmost placement, unchanged base first): chr7-143331293-ACTACCAGCTTTTG-A. GRCh37 (hg19) VCF-style: chr7-143028386-ACTACCAGCTTTTG-A.
Other names: short protein forms A350fs.
Identifiers: ClinVar variation 1709272 (VCV001709272.5), dbSNP rs2487059203, ClinGen allele CA2580077632.

ClinVar aggregate classification (germline): Pathogenic/Likely pathogenic. Review status: criteria provided, multiple submitters, no conflicts (2 of 4 stars). 2 submissions from 2 submitters: Pathogenic (1); Likely pathogenic (1). Last evaluated 2023-11-01.

Conditions:
Congenital myotonia, autosomal dominant form (THD). Also called: THOMSEN DISEASE; Myotonia congenita autosomal dominant. Identifiers: Orphanet 614, MedGen C2936781, MONDO:0008055, OMIM 160800.
Congenital myotonia, autosomal recessive form. Also called: BECKER DISEASE; myotonia congenita, autosomal recessive; Becker Generalized Myotonia. Identifiers: Orphanet 614, MedGen C0751360, MONDO:0009715, OMIM 255700.

Submissions (2):

Labcorp Genetics (formerly Invitae), Labcorp
Classification: Pathogenic for Congenital myotonia, autosomal recessive form; Congenital myotonia, autosomal dominant form. Last evaluated: 2023-11-01. Review status: criteria provided, single submitter. Criteria: Invitae Variant Classification Sherloc (09022015). Collection method: clinical testing. Allele origin: germline.
Comment: This sequence change creates a premature translational stop signal (p.Ala350Serfs*65) in the CLCN1 gene. It is expected to result in an absent or disrupted protein product. Loss-of-function variants in CLCN1 are known to be pathogenic (PMID: 17932099, 22094069, 23739125). This variant is not present in population databases (gnomAD no frequency). This premature translational stop signal has been observed in individual(s) with autosomal recessive myotonia congenita (PMID: 24349310). ClinVar contains an entry for this variant (Variation ID: 1709272). For these reasons, this variant has been classified as Pathogenic.

MGZ Medical Genetics Center
Classification: Likely pathogenic for Congenital myotonia, autosomal recessive form. Last evaluated: 2022-06-08. Review status: criteria provided, single submitter. Criteria: ACMG Guidelines, 2015. Collection method: clinical testing. Allele origin: germline. Affected: yes. Observed: 1 variant allele.
Comment: ACMG criteria applied: PVS1, PM2_SUP

Literature cited by the submitters: PubMed 17932099 (cited by Labcorp Genetics (formerly Invitae), Labcorp); PubMed 22094069 (cited by Labcorp Genetics (formerly Invitae), Labcorp); PubMed 23739125 (cited by Labcorp Genetics (formerly Invitae), Labcorp); PubMed 24349310 (cited by Labcorp Genetics (formerly Invitae), Labcorp).